The following is an entry in ClinVar:

ClinVar aggregate classification (germline): Uncertain significance. Review status: criteria provided, multiple submitters, no conflicts (2 of 4 stars). 2 submissions from 2 submitters: Uncertain significance (2). Last evaluated 2023-09-01.

Conditions:
Amyotrophic lateral sclerosis type 4 (ALS4). Also called: AMYOTROPHIC LATERAL SCLEROSIS 4, JUVENILE; NEURONOPATHY, DISTAL HEREDITARY MOTOR, WITH PYRAMIDAL FEATURES. Identifiers: Orphanet 357043, MedGen C1865409, MONDO:0011223, OMIM 602433.
Spinocerebellar ataxia, autosomal recessive, with axonal neuropathy 2 (SCAN2). Also called: ATAXIA-OCULOMOTOR APRAXIA 2; Ataxia-ocular apraxia-2; Ataxia with Oculomotor Apraxia; Ataxia with Oculomotor Apraxia Type 2. Identifiers: Orphanet 64753, MedGen C1853761, MONDO:0018996, OMIM 606002.

Allele frequency attached by ClinVar (database versions not stated): gnomAD exomes below 0.00001 and 0.00002; ExAC 0.00001; TOPMed 0.00002; gnomAD 0.00003.
gnomAD v4.1: 33 of 1,614,026 alleles (0.002%); highest among the groups gnomAD compares: Non-Finnish European, 0.0027%; no homozygotes.

Submissions (2):

CeGaT Center for Human Genetics Tuebingen
Classification: Uncertain significance. Last evaluated: 2023-09-01. Review status: criteria provided, single submitter. Criteria: CeGaT Center For Human Genetics Tuebingen Variant Classification Criteria Version 2. Collection method: clinical testing. Allele origin: germline. Affected: yes. Observed: 1 variant allele.

Labcorp Genetics (formerly Invitae), Labcorp
Classification: Uncertain significance for Amyotrophic lateral sclerosis type 4; Spinocerebellar ataxia, autosomal recessive, with axonal neuropathy 2. Last evaluated: 2021-09-09. Review status: criteria provided, single submitter. Criteria: Invitae Variant Classification Sherloc (09022015). Collection method: clinical testing. Allele origin: germline.
Comment: This variant is present in population databases (rs771969117, ExAC 0.02%). This sequence change replaces glycine with aspartic acid at codon 1562 of the SETX protein (p.Gly1562Asp). The glycine residue is moderately conserved and there is a moderate physicochemical difference between glycine and aspartic acid. This variant has not been reported in the literature in individuals affected with SETX-related conditions. Advanced modeling of protein sequence and biophysical properties (such as structural, functional, and spatial information, amino acid conservation, physicochemical variation, residue mobility, and thermodynamic stability) performed at Invitae indicates that this missense variant is not expected to disrupt SETX protein function. In summary, the available evidence is currently insufficient to determine the role of this variant in disease. Therefore, it has been classified as a Variant of Uncertain Significance.

NM_015046.7(SETX):c.4685G>A (p.Gly1562Asp)

Gene: SETX (senataxin; minus strand). Cytogenetic location: 9q34.13.
Variant type: single nucleotide variant.
Coding change: c.4685G>A on transcript NM_015046.7 (MANE Select); coding-DNA position 4685, G replaced by A.
Protein change: p.Gly1562Asp; replaces glycine 1562 with aspartic acid.
Molecular consequence: missense variant.
Genome position (GRCh38, 1-based): chr9:132,326,913, C>T on the plus strand (G>A on the coding strand, the complement: SETX is on the minus strand). VCF-style: chr9-132326913-C-T. GRCh37 (hg19) VCF-style: chr9-135202300-C-T.
Other names: c.4685G>A, p.Gly1562Asp (NM_001351527.2, NM_001351528.2); short protein forms G1562D.
Identifiers: ClinVar variation 1402026 (VCV001402026.30), dbSNP rs771969117, ClinGen allele CA5297149.